The following is an entry in ClinVar:

ClinVar aggregate classification (germline): Uncertain significance. Review status: criteria provided, multiple submitters, no conflicts (2 of 4 stars). 3 submissions from 3 submitters: Uncertain significance (3). Last evaluated 2025-10-23.

Conditions:
Short-rib thoracic dysplasia 10 with or without polydactyly (SRTD10). Identifiers: Orphanet 474, MedGen C3810175, MONDO:0014284, OMIM 615630.
Retinitis pigmentosa 71 (RP71). Identifiers: Orphanet 791, MedGen C4225342, MONDO:0014618, OMIM 616394.
Bardet-Biedl syndrome 20. Identifiers: MedGen C4310707, MONDO:0023670, OMIM 619471, MONDO:0014926.
IFT172-related disorder. Also called: IFT172-related condition; IFT172-related disorders.

Submissions (3):

PreventionGenetics, part of Exact Sciences
Classification: Uncertain significance for IFT172-related condition. Last evaluated: 2025-10-23. Review status: criteria provided, single submitter. Criteria: ACMG Guidelines, 2015. Collection method: clinical testing. Allele origin: germline.
Comment: The IFT172 c.1310_1311insAAA variant is predicted to result in an in-frame amino acid insertion (p.Met436_Asn437insLys). To our knowledge, this variant has not been reported in the literature. This variant is reported in 0.0031% of alleles in individuals of European (Non-Finnish) descent in gnomAD. At this time, the clinical significance of this variant is uncertain due to the absence of conclusive functional and genetic evidence.

Fulgent Genetics
Classification: Uncertain significance for Short-rib thoracic dysplasia 10 with or without polydactyly; Retinitis pigmentosa 71; Bardet-Biedl syndrome 20. Last evaluated: 2024-02-08. Review status: criteria provided, single submitter. Criteria: ACMG Guidelines, 2015. Collection method: clinical testing. Allele origin: germline.

Labcorp Genetics (formerly Invitae), Labcorp
Classification: Uncertain significance for Retinitis pigmentosa 71; Short-rib thoracic dysplasia 10 with or without polydactyly. Last evaluated: 2022-05-12. Review status: criteria provided, single submitter. Criteria: Invitae Variant Classification Sherloc (09022015). Collection method: clinical testing. Allele origin: germline.
Comment: This variant, c.1310_1311insAAA, results in the insertion of 1 amino acid(s) of the IFT172 protein (p.Met436_Asn437insLys), but otherwise preserves the integrity of the reading frame. This variant is present in population databases (rs759083214, gnomAD 0.005%). This variant has not been reported in the literature in individuals affected with IFT172-related conditions. Experimental studies and prediction algorithms are not available or were not evaluated, and the functional significance of this variant is currently unknown. In summary, the available evidence is currently insufficient to determine the role of this variant in disease. Therefore, it has been classified as a Variant of Uncertain Significance.

NM_015662.3(IFT172):c.1310_1311insAAA (p.Met436_Asn437insLys)

Gene: IFT172 (intraflagellar transport 172; minus strand). Cytogenetic location: 2p23.3.
Variant type: Insertion.
Coding change: c.1310_1311insAAA on transcript NM_015662.3 (MANE Select); coding-DNA positions 1310 to 1311, AAA inserted.
Protein change: p.Met436_Asn437insLys.
Molecular consequence: inframe insertion. On other transcripts: inframe indel (1).
Genome position: GRCh38 VCF-style: chr2-27477231-G-GTTT. GRCh37 (hg19) VCF-style: chr2-27700098-G-GTTT.
Other names: c.1308_1309insAAA, p.Met436_Asn437insLys (NM_001410739.1); c.1310_1311insAAA (NM_015662.2).
Identifiers: ClinVar variation 2037169 (VCV002037169.4), dbSNP rs759083214, ClinGen allele CA1580713.